The following is an entry in ClinVar:

NM_000051.4(ATM):c.5922T>G (p.Ser1974Arg)

Genes: ATM (ATM serine/threonine kinase; plus strand), C11orf65 (chromosome 11 open reading frame 65; minus strand). Cytogenetic location: 11q22.3.
Variant type: single nucleotide variant.
Coding change: c.5922T>G on transcript NM_000051.4 (MANE Select); coding-DNA position 5922, T replaced by G.
Protein change: p.Ser1974Arg; replaces serine 1974 with arginine.
Molecular consequence: missense variant. On other transcripts: intron variant (2).
Genome position (GRCh38, 1-based): chr11:108,312,414, T>G. VCF-style: chr11-108312414-T-G. GRCh37 (hg19) VCF-style: chr11-108183141-T-G.
Other names: c.5922T>G, p.Ser1974Arg (NM_001351834.2); c.641-3343A>C (NM_001330368.2); c.*39-3343A>C (NM_001351110.2); short protein forms S1974R.
Identifiers: ClinVar variation 3451329 (VCV003451329.1).
Genomic context (GRCh38, chr11:108,312,414, plus strand): 5'-TTCAGGAGCTTCCAAATAGTATGTTCTCATTAAAAGAGGTGTTCTTGTGACAAACAGAAG[T>G]CTTGCATTTGAAGAAGGAAGCCAGAGTACAACTATTTCTAGCTTGAGTGAAAAAAGTAAA-3'
Protein context (NP_000042.3, residues 1964-1984): KKSMDDQEKR[Ser1974Arg]LAFEEGSQST

ClinVar aggregate classification (germline): Uncertain significance (1 of 4 stars; one submission).

Conditions:
Hereditary cancer-predisposing syndrome. Also called: Tumor predisposition; Hereditary Cancer Syndrome; Neoplastic Syndromes, Hereditary; Hereditary neoplastic syndrome. Identifiers: Orphanet 140162, MedGen C0027672, MeSH D009386, MONDO:0015356.

Submission:

Ambry Genetics
Classification: Uncertain significance for Hereditary cancer-predisposing syndrome. Last evaluated: 2024-09-16. Review status: criteria provided, single submitter. Criteria: Ambry Variant Classification Scheme 2023. Collection method: clinical testing. Allele origin: germline.
Comment: The p.S1974R variant (also known as c.5922T>G), located in coding exon 39 of the ATM gene, results from a T to G substitution at nucleotide position 5922. The serine at codon 1974 is replaced by arginine, an amino acid with dissimilar properties. This amino acid position is conserved. In addition, this alteration is predicted to be tolerated by in silico analysis. Based on the available evidence, the clinical significance of this variant remains unclear.